The following is an entry in ClinVar:

ClinVar aggregate classification (germline): Likely benign (1 of 4 stars; one submission).

Allele frequency attached by ClinVar (database versions not stated): TOPMed 0.00001; gnomAD exomes 0.00002; gnomAD 0.00003; ExAC 0.00007.
gnomAD v4.1: 30 of 1,613,060 alleles (0.0019%); highest among the groups gnomAD compares: East Asian, 0.056%; no homozygotes.

Submission:

CeGaT Center for Human Genetics Tuebingen
Classification: Likely benign. Last evaluated: 2023-04-01. Review status: criteria provided, single submitter. Criteria: CeGaT Center For Human Genetics Tuebingen Variant Classification Criteria Version 2. Collection method: clinical testing. Allele origin: germline. Affected: yes. Observed: 1 variant allele.
Comment: ABCA9: BP4, BP7

NM_080283.4(ABCA9):c.3822G>A (p.Val1274=)

Gene: ABCA9 (ATP binding cassette subfamily A member 9; minus strand). Cytogenetic location: 17q24.2.
Variant type: single nucleotide variant.
Coding change: c.3822G>A on transcript NM_080283.4 (MANE Select); coding-DNA position 3822, G replaced by A.
Protein change: p.Val1274=; no amino-acid change (valine 1274 retained).
Molecular consequence: synonymous variant.
Genome position (GRCh38, 1-based): chr17:68,990,852, C>T on the plus strand (G>A on the coding strand, the complement: ABCA9 is on the minus strand). VCF-style: chr17-68990852-C-T. GRCh37 (hg19) VCF-style: chr17-66986993-C-T.
Identifiers: ClinVar variation 2648157 (VCV002648157.24), dbSNP rs755383775, ClinGen allele CA8732261.